The following is an entry in ClinVar:

NM_198506.5(LRIT3):c.1459A>C (p.Ile487Leu)

Gene: LRIT3 (leucine rich repeat, Ig-like and transmembrane domains 3; plus strand). Cytogenetic location: 4q25.
Variant type: single nucleotide variant.
Coding change: c.1459A>C on transcript NM_198506.5 (MANE Select); coding-DNA position 1459, A replaced by C.
Protein change: p.Ile487Leu; replaces isoleucine 487 with leucine.
Molecular consequence: missense variant.
Genome position (GRCh38, 1-based): chr4:109,870,208, A>C. VCF-style: chr4-109870208-A-C. GRCh37 (hg19) VCF-style: chr4-110791364-A-C.
Other names: c.1324A>C (NM_198506.2); short protein forms I487L.
Identifiers: ClinVar variation 967200 (VCV000967200.8), dbSNP rs200069084, ClinGen allele CA3043194.

ClinVar aggregate classification (germline): Uncertain significance. Review status: criteria provided, multiple submitters, no conflicts (2 of 4 stars). 2 submissions from 2 submitters: Uncertain significance (2). Last evaluated 2024-01-23.

Conditions:
Inborn genetic diseases. Identifiers: MedGen C0950123, MeSH D030342.

Allele frequency attached by ClinVar (database versions not stated): gnomAD 0.00001; TOPMed 0.00006.
gnomAD v4.1: 15 of 1,614,122 alleles (0.00093%); highest among the groups gnomAD compares: East Asian, 0.033%; no homozygotes.

Submissions (2):

Ambry Genetics
Classification: Uncertain significance for Inborn genetic diseases. Last evaluated: 2024-01-23. Review status: criteria provided, single submitter. Criteria: Ambry Variant Classification Scheme 2023. Collection method: clinical testing. Allele origin: germline.

Labcorp Genetics (formerly Invitae), Labcorp
Classification: Uncertain significance. Last evaluated: 2022-09-27. Review status: criteria provided, single submitter. Criteria: Invitae Variant Classification Sherloc (09022015). Collection method: clinical testing. Allele origin: germline.
Comment: ClinVar contains an entry for this variant (Variation ID: 967200). This variant has not been reported in the literature in individuals affected with LRIT3-related conditions. This variant is present in population databases (rs200069084, gnomAD 0.07%). This sequence change replaces isoleucine, which is neutral and non-polar, with leucine, which is neutral and non-polar, at codon 487 of the LRIT3 protein (p.Ile487Leu). Algorithms developed to predict the effect of missense changes on protein structure and function are either unavailable or do not agree on the potential impact of this missense change (SIFT: "Deleterious"; PolyPhen-2: "Benign"; Align-GVGD: "Class C0"). In summary, the available evidence is currently insufficient to determine the role of this variant in disease. Therefore, it has been classified as a Variant of Uncertain Significance.